The following is an entry in ClinVar:

ClinVar aggregate classification (germline): Uncertain significance. Review status: criteria provided, multiple submitters, no conflicts (2 of 4 stars). 10 submissions from 9 submitters: Uncertain significance (10). Last evaluated 2026-08-11.

Conditions:
Cardiovascular phenotype. Identifiers: MedGen CN230736.
Left ventricular noncompaction 10 (LVNC10). Identifiers: Orphanet 154, Orphanet 54260, MedGen C3715165, MONDO:0014163, OMIM 615396.
Cardiomyopathy (CMYO). Also called: Cardiomyopathies. Identifiers: Orphanet 167848, MedGen C0878544, MONDO:0004994, HP:0001638. Inheritance: Various modes of inheritance.
Hypertrophic cardiomyopathy 4. Also called: Familial hypertrophic cardiomyopathy 4. Identifiers: MedGen C1861862, MONDO:0007268, OMIM 115197.
Hypertrophic cardiomyopathy. Also called: HYPERTROPHIC MYOCARDIOPATHY. Identifiers: Orphanet 217569, MedGen C0007194, MeSH D002312, MONDO:0005045, HP:0001639.

Submissions (10):

MVZ Medizinische Genetik Mainz
Classification: Uncertain significance for Left ventricular noncompaction 10. Last evaluated: 2026-08-11. Review status: criteria provided, single submitter. Criteria: UK Practice Guidelines For Variant Classification V4 01 2020. Collection method: clinical testing. Allele origin: germline. Inheritance: Autosomal dominant inheritance. Affected: yes. Observed: 1 variant allele.
Comment: ACMG Criteria: PM4_SUP,PP3

Labcorp Genetics (formerly Invitae), Labcorp
Classification: Uncertain significance for Hypertrophic cardiomyopathy. Last evaluated: 2026-01-31. Review status: criteria provided, single submitter. Criteria: Invitae Variant Classification Sherloc (09022015). Collection method: clinical testing. Allele origin: germline.
Comment: This variant, c.1543_1545del, results in the deletion of 1 amino acid(s) of the MYBPC3 protein (p.Asn515del), but otherwise preserves the integrity of the reading frame. This variant is present in population databases (rs730880643, gnomAD 0.004%). This variant has been observed in individuals with clinical features of dilated cardiomyopathy and/or clinical features of hypertrophic cardiomyopathy (PMID: 21750094, 33495597, 33892289, 35653365, 37466024; internal data). ClinVar contains an entry for this variant (Variation ID: 181070). Algorithms developed to predict the effect of variants on gene product structure and function are not available or were not evaluated for this variant. Experimental studies are conflicting or provide insufficient evidence to determine the effect of this variant on MYBPC3 function (PMID: 39684611). In summary, the available evidence is currently insufficient to determine the role of this variant in disease. Therefore, it has been classified as a Variant of Uncertain Significance.

Institute of Human Genetics, University of Leipzig Medical Center
Classification: Uncertain significance for Hypertrophic cardiomyopathy 4. Last evaluated: 2025-11-24. Review status: criteria provided, single submitter. Criteria: ACMG Guidelines, 2015. Collection method: clinical testing. Allele origin: unknown. Inheritance: Autosomal dominant inheritance. Affected: yes.
Comment: Criteria applied: PM4,PS3_SUP,PM2_SUP

Molecular Diagnostic Laboratory for Inherited Cardiovascular Disease, Montreal Heart Institute
Classification: Uncertain significance for Cardiovascular phenotype. Last evaluated: 2025-04-09. Review status: criteria provided, single submitter. Criteria: ACMG Guidelines, 2015. Collection method: clinical testing. Allele origin: germline. Affected: yes.
Comment: PM2, PM4, PS4_supp

All of Us Research Program, National Institutes of Health
Classification: Uncertain significance for Hypertrophic cardiomyopathy. Last evaluated: 2024-08-06. Review status: criteria provided, single submitter. Criteria: ACMG Guidelines, 2015. Collection method: clinical testing. Allele origin: germline. Inheritance: Autosomal dominant inheritance. Observed: 2 variant alleles, 2 heterozygotes.
Comment: This variant causes an in-frame deletion of one amino acid in exon 17 of the MYBPC3 protein. To our knowledge, functional studies have not been reported for this variant. This variant has been reported in individuals affected with hypertrophic cardiomyopathy (PMID: 33495597, 33892289) and in an individual affected with dilated cardiomyopathy (PMID: 21750094). This variant has been identified in 3/280634 chromosomes in the general population by the Genome Aggregation Database (gnomAD). The available evidence is insufficient to determine the role of this variant in disease conclusively. Therefore, this variant is classified as a Variant of Uncertain Significance.

This study involves interpretation of variants in research participants for the purpose of population health screening. Participant phenotype was not available at the time of variant classification. Additional details can be found in publication PMID: 35346344, PMCID: PMC8962531

GeneDx
Classification: Uncertain significance. Last evaluated: 2024-06-21. Review status: criteria provided, single submitter. Criteria: GeneDx Variant Classification Process June 2021. Collection method: clinical testing. Allele origin: germline. Affected: yes.
Comment: Not observed at significant frequency in large population cohorts (gnomAD); In-frame deletion of 1 amino acid in a non-repeat region; In silico analysis supports a deleterious effect on protein structure/function; This variant is associated with the following publications: (PMID: 21750094, 33892289, 30009132, 33495597, 35653365)

Blueprint Genetics
Classification: Uncertain significance. Last evaluated: 2024-04-15. Review status: criteria provided, single submitter. Criteria: ACMG Guidelines, 2015. Collection method: clinical testing. Allele origin: germline.

Ambry Genetics
Classification: Uncertain significance for Cardiovascular phenotype. Last evaluated: 2024-03-07. Review status: criteria provided, single submitter. Criteria: Ambry Variant Classification Scheme 2023. Collection method: clinical testing. Allele origin: germline.
Comment: The c.1543_1545delAAC variant (also known as p.N515del) is located in coding exon 17 of the MYBPC3 gene. This variant results from an in-frame AAC deletion at nucleotide positions 1543 to 1545. This results in the in-frame deletion of an asparagine at codon 515. This alteration has been reported in a subject with dilated cardiomyopathy and has been seen in a mitochondrial disorders cohort (Waldm&uuml;ller S et al, Eur J Heart Failure. 2011 Nov;13:1185-92; Puusepp S et al, Mol Genet Mteb Rep. 2018 Jun;15:80-89).This amino acid position is highly conserved in available vertebrate species. In addition, this alteration is predicted to be deleterious by in silico analysis (Choi Y et al. PLoS ONE. 2012; 7(10):e46688). Since supporting evidence is limited at this time, the clinical significance of this alteration remains unclear.

Institute of Human Genetics, University of Leipzig Medical Center
Classification: Uncertain significance for Left ventricular noncompaction 10. Last evaluated: 2023-12-29. Review status: criteria provided, single submitter. Criteria: ACMG Guidelines, 2015. Collection method: clinical testing. Allele origin: unknown. Inheritance: Autosomal dominant inheritance. Affected: yes.
Comment: Criteria applied: PS4_MOD,PM2_SUP,PM4_SUP

Color Diagnostics, LLC DBA Color Health
Classification: Uncertain significance for Cardiomyopathy. Last evaluated: 2023-03-24. Review status: criteria provided, single submitter. Criteria: ACMG Guidelines, 2015. Collection method: clinical testing. Allele origin: germline.
Comment: This variant causes an in-frame deletion of one amino acid in exon 17 of the MYBPC3 protein. To our knowledge, functional studies have not been reported for this variant. This variant has been reported in individuals affected with hypertrophic cardiomyopathy (PMID: 33495597, 33892289) and in an individual affected with dilated cardiomyopathy (PMID: 21750094). This variant has been identified in 3/280634 chromosomes in the general population by the Genome Aggregation Database (gnomAD). The available evidence is insufficient to determine the role of this variant in disease conclusively. Therefore, this variant is classified as a Variant of Uncertain Significance.

Literature cited by the submitters: PubMed 21750094 (cited by 4 submitters); PubMed 33495597 (cited by 4 submitters); PubMed 33892289 (cited by 3 submitters); PubMed 35653365 (cited by Labcorp Genetics (formerly Invitae), Labcorp and Ambry Genetics); PubMed 37466024 (cited by Labcorp Genetics (formerly Invitae), Labcorp); PubMed 39684611 (cited by Labcorp Genetics (formerly Invitae), Labcorp); PubMed 24793961 (cited by Ambry Genetics); PubMed 30009132 (cited by Ambry Genetics).

NM_000256.3(MYBPC3):c.1543_1545del (p.Asn515del)

Gene: MYBPC3 (myosin binding protein C3; minus strand). Cytogenetic location: 11p11.2.
Variant type: Deletion.
Coding change: c.1543_1545del on transcript NM_000256.3 (MANE Select); coding-DNA positions 1543 to 1545, 3 bases deleted (AAC; older notation c.1543_1545delAAC).
Protein change: p.Asn515del; deletes asparagine 515.
Molecular consequence: inframe deletion.
Genome position (GRCh38, 1-based): chr11:47,342,657-47,342,659, GTT deleted on the plus strand (AAC on the coding strand, the reverse complement: MYBPC3 is on the minus strand); deleting any 3 consecutive bases within chr11:47,342,657-47,342,660 gives the same sequence; the c. name uses the placement nearest the transcript's 3' end. VCF-style (leftmost placement, unchanged base first): chr11-47342656-CGTT-C. GRCh37 (hg19) VCF-style: chr11-47364207-CGTT-C.
Other names: c.1543_1545del, p.Asn515del (LRG_386t1); c.1543_1545delAAC (NM_000256.3); short protein forms N515del.
Identifiers: ClinVar variation 181070 (VCV000181070.22), dbSNP rs730880643, ClinGen allele CA010600.